The following is an entry in ClinVar:

NM_001394062.1(MACF1):c.14817G>A (p.Glu4939=)

Genes: MACF1 (microtubule actin crosslinking factor 1; plus strand), LOC114803468 (MACF1 eExon liver enhancer; plus strand). Cytogenetic location: 1p34.3.
Variant type: single nucleotide variant.
Coding change: c.14817G>A on transcript NM_001394062.1 (MANE Select); coding-DNA position 14817, G replaced by A.
Protein change: p.Glu4939=; no amino-acid change (glutamic acid 4939 retained).
Molecular consequence: synonymous variant.
Genome position (GRCh38, 1-based): chr1:39,387,659, G>A. VCF-style: chr1-39387659-G-A. GRCh37 (hg19) VCF-style: chr1-39853331-G-A.
Other names: c.8631G>A, p.Glu2877= (NM_012090.5).
Identifiers: ClinVar variation 2892760 (VCV002892760.5), dbSNP rs763059804, ClinGen allele CA782307.

ClinVar aggregate classification (germline): Likely benign. Review status: criteria provided, single submitter (1 of 4 stars). 2 submissions from 2 submitters: Likely benign (1). 1 of the submissions does not count toward it. Last evaluated 2023-04-27.

Conditions:
MACF1-related disorder. Also called: MACF1-related condition.

Allele frequency attached by ClinVar (database versions not stated): gnomAD exomes 0.00004; TOPMed 0.00004; gnomAD 0.00005; ExAC 0.00016.
gnomAD v4.1: 29 of 1,614,074 alleles (0.0018%); highest among the groups gnomAD compares: Admixed American, 0.04%; no homozygotes.

Submissions (2):

Labcorp Genetics (formerly Invitae), Labcorp
Classification: Likely benign. Last evaluated: 2023-04-27. Review status: criteria provided, single submitter. Criteria: Invitae Variant Classification Sherloc (09022015). Collection method: clinical testing. Allele origin: germline.

PreventionGenetics, part of Exact Sciences
Classification: Likely benign for MACF1-related condition. Last evaluated: 2021-10-25. Review status: no assertion criteria provided. Collection method: clinical testing. Allele origin: germline. Not counted in ClinVar's aggregate classification.
Comment: This variant is classified as likely benign based on ACMG/AMP sequence variant interpretation guidelines (Richards et al. 2015 PMID: 25741868, with internal and published modifications).